The following is an entry in ClinVar:

NM_000038.6(APC):c.621C>G (p.Cys207Trp)

Gene: APC (APC regulator of Wnt signaling pathway; plus strand). Cytogenetic location: 5q22.2.
Variant type: single nucleotide variant.
Coding change: c.621C>G on transcript NM_000038.6 (MANE Select); coding-DNA position 621, C replaced by G.
Protein change: p.Cys207Trp; replaces cysteine 207 with tryptophan.
Molecular consequence: missense variant. On other transcripts: non-coding transcript variant (2), 5 prime UTR variant (4).
Genome position (GRCh38, 1-based): chr5:112,780,879, C>G. VCF-style: chr5-112780879-C-G. GRCh37 (hg19) VCF-style: chr5-112116576-C-G.
Other names: c.546C>G, p.Cys182Trp (NM_001354898.2, NM_001354904.2, NM_001407451.1); c.621C>G, p.Cys207Trp (NM_001354899.2, NM_001354903.2, NM_001407447.1 and 16 more transcripts); c.444C>G, p.Cys148Trp (NM_001354900.2, NM_001354901.2, NM_001354905.2 and 1 more transcripts); c.651C>G, p.Cys217Trp (NM_001354902.2, NM_001407446.1, NM_001127511.3 and 1 more transcripts); c.-415C>G (NM_001354906.2, NM_001407470.1, NM_001407471.1 and 1 more transcripts); short protein forms C207W, C148W, C217W, C182W.
Identifiers: ClinVar variation 5026100 (VCV005026100.1).

ClinVar aggregate classification (germline): Uncertain significance (1 of 4 stars; one submission).

Conditions:
Hereditary cancer-predisposing syndrome. Also called: Neoplastic Syndromes, Hereditary; Tumor predisposition; Hereditary neoplastic syndrome; Hereditary Cancer Syndrome. Identifiers: Orphanet 140162, MedGen C0027672, MeSH D009386, MONDO:0015356.

Submission:

Ambry Genetics
Classification: Uncertain significance for Hereditary cancer-predisposing syndrome. Last evaluated: 2026-09-04. Review status: criteria provided, single submitter. Criteria: Ambry Variant Classification Scheme 2023. Collection method: clinical testing. Allele origin: germline.
Comment: The p.C207W variant (also known as c.621C>G), located in coding exon 5 of the APC gene, results from a C to G substitution at nucleotide position 621. The cysteine at codon 207 is replaced by tryptophan, an amino acid with highly dissimilar properties. This amino acid position is conserved. In addition, in silico predictors for this gene do not accurately predict pathogenicity. Based on the available evidence, the clinical significance of this variant remains unclear.